The following is an entry in ClinVar:

NM_000548.5(TSC2):c.1381G>C (p.Val461Leu)

Gene: TSC2 (TSC complex subunit 2; plus strand). Cytogenetic location: 16p13.3.
Variant type: single nucleotide variant.
Coding change: c.1381G>C on transcript NM_000548.5 (MANE Select); coding-DNA position 1381, G replaced by C.
Protein change: p.Val461Leu; replaces valine 461 with leucine.
Molecular consequence: missense variant.
Genome position (GRCh38, 1-based): chr16:2,062,991, G>C. VCF-style: chr16-2062991-G-C. GRCh37 (hg19) VCF-style: chr16-2112992-G-C.
Other names: c.1381G>C, p.Val461Leu (NM_001077183.3, NM_001114382.3, NM_001363528.2 and 3 more transcripts); c.1270G>C, p.Val424Leu (NM_001318827.2); c.1234G>C, p.Val412Leu (NM_001318829.2); c.781G>C, p.Val261Leu (NM_001318831.2); c.1414G>C, p.Val472Leu (NM_001318832.2); short protein forms V261L, V424L, V461L, V472L, V412L.
Identifiers: ClinVar variation 937432 (VCV000937432.10), dbSNP rs796053486, ClinGen allele CA394323693.

ClinVar aggregate classification (germline): Uncertain significance. Review status: criteria provided, multiple submitters, no conflicts (2 of 4 stars). 2 submissions from 2 submitters: Uncertain significance (2). Last evaluated 2025-08-21.

Conditions:
Tuberous sclerosis 2 (TSC2). Identifiers: Orphanet 805, MedGen C1860707, MONDO:0013199, OMIM 613254.
Hereditary cancer-predisposing syndrome. Also called: Tumor predisposition; Hereditary neoplastic syndrome; Neoplastic Syndromes, Hereditary; Hereditary Cancer Syndrome. Identifiers: Orphanet 140162, MedGen C0027672, MeSH D009386, MONDO:0015356.

Submissions (2):

Labcorp Genetics (formerly Invitae), Labcorp
Classification: Uncertain significance for Tuberous sclerosis 2. Last evaluated: 2025-08-21. Review status: criteria provided, single submitter. Criteria: Invitae Variant Classification Sherloc (09022015). Collection method: clinical testing. Allele origin: germline.
Comment: This sequence change replaces valine, which is neutral and non-polar, with leucine, which is neutral and non-polar, at codon 461 of the TSC2 protein (p.Val461Leu). This variant is not present in population databases (gnomAD no frequency). This variant has not been reported in the literature in individuals affected with TSC2-related conditions. ClinVar contains an entry for this variant (Variation ID: 937432). Invitae Evidence Modeling of protein sequence and biophysical properties (such as structural, functional, and spatial information, amino acid conservation, physicochemical variation, residue mobility, and thermodynamic stability) indicates that this missense variant is not expected to disrupt TSC2 protein function with a negative predictive value of 95%. In summary, the available evidence is currently insufficient to determine the role of this variant in disease. Therefore, it has been classified as a Variant of Uncertain Significance.

Ambry Genetics
Classification: Uncertain significance for Hereditary cancer-predisposing syndrome. Last evaluated: 2025-04-24. Review status: criteria provided, single submitter. Criteria: Ambry Variant Classification Scheme 2023. Collection method: clinical testing. Allele origin: germline.
Comment: The p.V461L variant (also known as c.1381G>C), located in coding exon 13 of the TSC2 gene, results from a G to C substitution at nucleotide position 1381. The valine at codon 461 is replaced by leucine, an amino acid with highly similar properties. This amino acid position is conserved. In addition, the in silico prediction for this alteration is inconclusive. Based on the available evidence, the clinical significance of this variant remains unclear.